The following is an entry in ClinVar:

ClinVar aggregate classification (germline): Uncertain significance. Review status: criteria provided, multiple submitters, no conflicts (2 of 4 stars). 3 submissions from 3 submitters: Uncertain significance (3). Last evaluated 2025-01-24.

Allele frequency attached by ClinVar (database versions not stated): gnomAD 0.00013; ESP Exome Variant Server 0.00015; 1000 Genomes Project 0.00020; TOPMed 0.00021; gnomAD exomes 0.00030; 1000 Genomes Project 30x 0.00031.
gnomAD v4.1: 458 of 1,611,610 alleles (0.028%); highest among the groups gnomAD compares: African/African-American, 0.057%; no homozygotes.

Submissions (3):

Ambry Genetics
Classification: Uncertain significance. Last evaluated: 2025-01-24. Review status: criteria provided, single submitter. Criteria: Ambry Variant Classification Scheme 2023. Collection method: clinical testing. Allele origin: germline.

Blueprint Genetics
Classification: Uncertain significance. Last evaluated: 2023-02-15. Review status: criteria provided, single submitter. Criteria: ACMG Guidelines, 2015. Collection method: clinical testing. Allele origin: germline.

Labcorp Genetics (formerly Invitae), Labcorp
Classification: Uncertain significance. Last evaluated: 2022-09-13. Review status: criteria provided, single submitter. Criteria: Invitae Variant Classification Sherloc (09022015). Collection method: clinical testing. Allele origin: germline.
Comment: This sequence change replaces arginine, which is basic and polar, with cysteine, which is neutral and slightly polar, at codon 1324 of the KIAA0556 protein (p.Arg1324Cys). This variant is present in population databases (rs113376536, gnomAD 0.04%). This variant has not been reported in the literature in individuals affected with KIAA0556-related conditions. Algorithms developed to predict the effect of missense changes on protein structure and function are either unavailable or do not agree on the potential impact of this missense change (SIFT: "Deleterious"; PolyPhen-2: "Probably Damaging"; Align-GVGD: "Class C0"). In summary, the available evidence is currently insufficient to determine the role of this variant in disease. Therefore, it has been classified as a Variant of Uncertain Significance.

NM_015202.5(KATNIP):c.3970C>T (p.Arg1324Cys)

Gene: KATNIP (katanin interacting protein; plus strand). Cytogenetic location: 16p12.1.
Variant type: single nucleotide variant.
Coding change: c.3970C>T on transcript NM_015202.5 (MANE Select); coding-DNA position 3970, C replaced by T.
Protein change: p.Arg1324Cys; replaces arginine 1324 with cysteine.
Molecular consequence: missense variant.
Genome position (GRCh38, 1-based): chr16:27,766,469, C>T. VCF-style: chr16-27766469-C-T. GRCh37 (hg19) VCF-style: chr16-27777790-C-T.
Other names: c.3970C>T (NM_015202.2); short protein forms R1324C.
Identifiers: ClinVar variation 2072979 (VCV002072979.4), dbSNP rs113376536, ClinGen allele CA7978438.
Genomic context (GRCh38, chr16:27,766,469, plus strand): 5'-GCCGAAAGCATCGCAGGCCTGCGCTTCTGGAACTACAATAAATCTCCCGAGGACACCTAT[C>T]GCGGGGTAAGCTGGGGAGCAGTGGCCGTGCTCAGTCCAGCATCAGGGAAGCAGCACCTTG-3'
Protein context (NP_056017.4, residues 1314-1334): NYNKSPEDTY[Arg1324Cys]GAKIVHVSLD